The following is an entry in ClinVar:

NM_022455.5(NSD1):c.20T>C (p.Leu7Pro)

Gene: NSD1 (nuclear receptor binding SET domain protein 1; plus strand). Cytogenetic location: 5q35.3.
Variant type: single nucleotide variant.
Coding change: c.20T>C on transcript NM_022455.5 (MANE Select); coding-DNA position 20, T replaced by C.
Protein change: p.Leu7Pro; replaces leucine 7 with proline.
Molecular consequence: missense variant. On other transcripts: 5 prime UTR variant (7).
Genome position (GRCh38, 1-based): chr5:177,135,123, T>C. VCF-style: chr5-177135123-T-C. GRCh37 (hg19) VCF-style: chr5-176562124-T-C.
Other names: c.-114T>C (NM_001365684.2, NM_001409305.1, NM_001409306.1 and 4 more transcripts); c.20T>C, p.Leu7Pro (NM_001409301.1, NM_001409302.1, NM_001409303.1 and 1 more transcripts); short protein forms L7P.
Identifiers: ClinVar variation 3637592 (VCV003637592.4).
Genomic context (GRCh38, chr5:177,135,123, plus strand): 5'-AATTGCTGTGCTTTTGGATTCCAGGTTGATGCCGGCCCAGGATGGATCAGACCTGTGAAC[T>C]ACCCAGAAGAAATTGTCTGCTGCCCTTTTCCAATCCAGTGAATTTAGATGCCCCTGAAGA-3'
Protein context (NP_071900.2, residues 1-17): MDQTCE[Leu7Pro]PRRNCLLPFS

ClinVar aggregate classification (germline): Conflicting classifications of pathogenicity. Review status: criteria provided, conflicting classifications (1 of 4 stars). 3 submissions from 3 submitters: Uncertain significance (1); Likely benign (2). Last evaluated 2025-08-30.

Conditions:
Inborn genetic diseases. Identifiers: MedGen C0950123, MeSH D030342.
Sotos syndrome (SOTOS). Also called: Distinctive facial appearance, overgrowth in childhood, and learning disabilities or delayed development; SOTOS SYNDROME 1; CHROMOSOME 5q35 DELETION SYNDROME; CEREBRAL GIGANTISM; Sotos' syndrome. Identifiers: Orphanet 821, MedGen C0175695, MONDO:0019349, OMIM 117550.

gnomAD v4.1: 14 of 1,614,090 alleles (0.00087%); highest among the groups gnomAD compares: Non-Finnish European, 0.0012%; no homozygotes.

Submissions (3):

Ambry Genetics
Classification: Likely benign for Inborn genetic diseases. Last evaluated: 2025-08-30. Review status: criteria provided, single submitter. Criteria: Ambry Variant Classification Scheme 2023. Collection method: clinical testing. Allele origin: germline.

Daryl Scott Lab, Baylor College of Medicine
Classification: Uncertain significance for Sotos syndrome. Last evaluated: 2024-04-01. Review status: criteria provided, single submitter. Criteria: ACMG Guidelines, 2015. Collection method: clinical testing. Allele origin: maternal. Observed: 1 heterozygote.
Comment: PP3

Labcorp Genetics (formerly Invitae), Labcorp
Classification: Likely benign. Last evaluated: 2024-03-13. Review status: criteria provided, single submitter. Criteria: Invitae Variant Classification Sherloc (09022015). Collection method: clinical testing. Allele origin: germline.